The following is an entry in ClinVar:

NM_201384.3(PLEC):c.1506G>C (p.Gln502His)

Gene: PLEC (plectin; minus strand). Cytogenetic location: 8q24.3.
Variant type: single nucleotide variant.
Coding change: c.1506G>C on transcript NM_201384.3 (MANE Select); coding-DNA position 1506, G replaced by C.
Protein change: p.Gln502His; replaces glutamine 502 with histidine.
Molecular consequence: missense variant.
Genome position (GRCh38, 1-based): chr8:143,933,024, C>G on the plus strand (G>C on the coding strand, the complement: PLEC is on the minus strand). VCF-style: chr8-143933024-C-G. GRCh37 (hg19) VCF-style: chr8-145007192-C-G.
Other names: c.1587G>C, p.Gln529His (NM_000445.5); c.1464G>C, p.Gln488His (NM_201378.4); c.1440G>C, p.Gln480His (NM_201379.3); c.1917G>C, p.Gln639His (NM_201380.4); c.1410G>C, p.Gln470His (NM_201381.3); c.1506G>C, p.Gln502His (NM_201382.4); c.1518G>C, p.Gln506His (NM_201383.3); short protein forms Q470H, Q480H, Q488H, Q502H, Q506H, Q529H, Q639H.
Identifiers: ClinVar variation 487332 (VCV000487332.17), dbSNP rs571497788, ClinGen allele CA4927939.

ClinVar aggregate classification (germline): Conflicting classifications of pathogenicity. Review status: criteria provided, conflicting classifications (1 of 4 stars). 4 submissions from 4 submitters: Uncertain significance (2); Likely benign (2). Last evaluated 2025-06-27.

Conditions:
Autosomal recessive limb-girdle muscular dystrophy type 2Q (LGMDR17). Also called: MUSCULAR DYSTROPHY, LIMB-GIRDLE, AUTOSOMAL RECESSIVE 17. Identifiers: Orphanet 254361, MedGen C3150989, MONDO:0013390, OMIM 613723.
Epidermolysis bullosa simplex with nail dystrophy (EBS5D). Identifiers: MedGen C4225309, MONDO:0014661, OMIM 616487.
Epidermolysis bullosa simplex 5B, with muscular dystrophy (EBS5B). Also called: EPIDERMOLYSIS BULLOSA SIMPLEX AND LIMB-GIRDLE MUSCULAR DYSTROPHY; Epidermolysis bullosa simplex with muscular dystrophy. Identifiers: Orphanet 257, MedGen C2931072, MONDO:0009181, OMIM 226670.
Epidermolysis bullosa simplex, Ogna type (EBS5A). Also called: EPIDERMOLYSIS BULLOSA SIMPLEX 5A, OGNA TYPE; Pidermolysis bullosa simplex 5A, Ogna type. Identifiers: Orphanet 79401, MedGen C0432317, MONDO:0007555, OMIM 131950.
Epidermolysis bullosa simplex 5C, with pyloric atresia (EBS5C). Also called: PLEC-Related Epidermolysis Bullosa with Pyloric Atresia; Epidermolysis bullosa simplex with pyloric atresia; PLEC1-Related Epidermolysis Bullosa with Pyloric Atresia. Identifiers: Orphanet 158684, MedGen C2677349, MONDO:0012807, OMIM 612138.

Allele frequency attached by ClinVar (database versions not stated): TOPMed 0.00006; gnomAD 0.00007 and 0.00008; gnomAD exomes 0.00008 and 0.00011; ExAC 0.00010.
gnomAD v4.1: 175 of 1,601,176 alleles (0.011%); highest among the groups gnomAD compares: Non-Finnish European, 0.014%; no homozygotes.

Submissions (4):

Labcorp Genetics (formerly Invitae), Labcorp
Classification: Likely benign for Autosomal recessive limb-girdle muscular dystrophy type 2Q; Epidermolysis bullosa simplex, Ogna type; Epidermolysis bullosa simplex with nail dystrophy; Epidermolysis bullosa simplex 5C, with pyloric atresia; Epidermolysis bullosa simplex 5B, with muscular dystrophy. Last evaluated: 2025-06-27. Review status: criteria provided, single submitter. Criteria: Invitae Variant Classification Sherloc (09022015). Collection method: clinical testing. Allele origin: germline.

Revvity Omics, Revvity
Classification: Uncertain significance. Last evaluated: 2019-07-09. Review status: criteria provided, single submitter. Criteria: ACMG Guidelines, 2015. Collection method: clinical testing. Allele origin: germline.

GeneDx
Classification: Likely benign. Last evaluated: 2017-08-16. Review status: criteria provided, single submitter. Criteria: GeneDx Variant Classification (06012015). Collection method: clinical testing. Allele origin: germline. Affected: yes.
Comment: This variant is considered likely benign or benign based on one or more of the following criteria: it is a conservative change, it occurs at a poorly conserved position in the protein, it is predicted to be benign by multiple in silico algorithms, and/or has population frequency not consistent with disease.

Eurofins Ntd Llc (ga)
Classification: Uncertain significance. Last evaluated: 2016-10-21. Review status: criteria provided, single submitter. Criteria: EGL Classification Definitions 2015. Collection method: clinical testing. Allele origin: germline. Observed: 1 variant allele, 1 heterozygote.